The following is an entry in ClinVar:

ClinVar aggregate classification (germline): Uncertain significance (1 of 4 stars; one submission).

Conditions:
Charcot-Marie-Tooth disease axonal type 2O. Also called: CHARCOT-MARIE-TOOTH DISEASE, AXONAL, AUTOSOMAL DOMINANT, TYPE 2O; CHARCOT-MARIE-TOOTH NEUROPATHY, AXONAL, TYPE 2O; Charcot-Marie-Tooth Neuropathy Type 2O; Charcot-Marie-Tooth disease, axonal, type 20. Identifiers: Orphanet 284232, MedGen C3280220, MONDO:0013644, OMIM 614228.

Submission:

Labcorp Genetics (formerly Invitae), Labcorp
Classification: Uncertain significance for Charcot-Marie-Tooth disease axonal type 2O. Last evaluated: 2023-02-25. Review status: criteria provided, single submitter. Criteria: Invitae Variant Classification Sherloc (09022015). Collection method: clinical testing. Allele origin: germline.
Comment: In summary, the available evidence is currently insufficient to determine the role of this variant in disease. Therefore, it has been classified as a Variant of Uncertain Significance. Advanced modeling of protein sequence and biophysical properties (such as structural, functional, and spatial information, amino acid conservation, physicochemical variation, residue mobility, and thermodynamic stability) performed at Invitae indicates that this missense variant is not expected to disrupt DYNC1H1 protein function. This variant has not been reported in the literature in individuals affected with DYNC1H1-related conditions. This variant is not present in population databases (gnomAD no frequency). This sequence change replaces lysine, which is basic and polar, with glutamine, which is neutral and polar, at codon 1834 of the DYNC1H1 protein (p.Lys1834Gln).

NM_001376.5(DYNC1H1):c.5500A>C (p.Lys1834Gln)

Gene: DYNC1H1 (dynein cytoplasmic 1 heavy chain 1; plus strand). Cytogenetic location: 14q32.31.
Variant type: single nucleotide variant.
Coding change: c.5500A>C on transcript NM_001376.5 (MANE Select); coding-DNA position 5500, A replaced by C.
Protein change: p.Lys1834Gln; replaces lysine 1834 with glutamine.
Molecular consequence: missense variant.
Genome position (GRCh38, 1-based): chr14:102,005,954, A>C. VCF-style: chr14-102005954-A-C. GRCh37 (hg19) VCF-style: chr14-102472291-A-C.
Other names: short protein forms K1834Q.
Identifiers: ClinVar variation 3016344 (VCV003016344.3), dbSNP rs2503741823, ClinGen allele CA391048108.